The following is an entry in ClinVar:

ClinVar aggregate classification (germline): Uncertain significance (1 of 4 stars; one submission).

Allele frequency attached by ClinVar (database versions not stated): gnomAD exomes below 0.00001 and 0.00001; TOPMed below 0.00001; ExAC 0.00001; gnomAD 0.00001.
gnomAD v4.1: 14 of 1,613,982 alleles (0.00087%); highest among the groups gnomAD compares: African/African-American, 0.0027%; no homozygotes.

Submission:

Labcorp Genetics (formerly Invitae), Labcorp
Classification: Uncertain significance. Last evaluated: 2024-07-17. Review status: criteria provided, single submitter. Criteria: Invitae Variant Classification Sherloc (09022015). Collection method: clinical testing. Allele origin: germline.
Comment: This sequence change replaces isoleucine, which is neutral and non-polar, with valine, which is neutral and non-polar, at codon 629 of the DDX58 protein (p.Ile629Val). This variant is present in population databases (rs760180730, gnomAD 0.0009%). This variant has not been reported in the literature in individuals affected with DDX58-related conditions. ClinVar contains an entry for this variant (Variation ID: 1488560). Advanced modeling of protein sequence and biophysical properties (such as structural, functional, and spatial information, amino acid conservation, physicochemical variation, residue mobility, and thermodynamic stability) performed at Invitae indicates that this missense variant is not expected to disrupt DDX58 protein function with a negative predictive value of 80%. In summary, the available evidence is currently insufficient to determine the role of this variant in disease. Therefore, it has been classified as a Variant of Uncertain Significance.

NM_014314.4(RIGI):c.1885A>G (p.Ile629Val)

Gene: RIGI (RNA sensor RIG-I; minus strand). Cytogenetic location: 9p21.1.
Variant type: single nucleotide variant.
Coding change: c.1885A>G on transcript NM_014314.4 (MANE Select); coding-DNA position 1885, A replaced by G.
Protein change: p.Ile629Val; replaces isoleucine 629 with valine.
Molecular consequence: missense variant.
Genome position (GRCh38, 1-based): chr9:32,477,021, T>C on the plus strand (A>G on the coding strand, the complement: RIGI is on the minus strand). VCF-style: chr9-32477021-T-C. GRCh37 (hg19) VCF-style: chr9-32477019-T-C.
Other names: c.1879A>G, p.Ile627Val (NM_001385907.1); c.1885A>G, p.Ile629Val (NM_001385909.1); c.1444A>G, p.Ile482Val (NM_001385910.1); c.1276A>G, p.Ile426Val (NM_001385912.1); c.1870A>G, p.Ile624Val (NM_001385913.1); c.1441A>G, p.Ile481Val (NM_001385914.1); short protein forms I426V, I482V, I624V, I627V, I481V, I629V.
Identifiers: ClinVar variation 1488560 (VCV001488560.6), dbSNP rs760180730, ClinGen allele CA5019651.